The following is an entry in ClinVar:

ClinVar aggregate classification (germline): Uncertain significance (1 of 4 stars; one submission).

Allele frequency attached by ClinVar (database versions not stated): ExAC 0.00001.

Submission:

Labcorp Genetics (formerly Invitae), Labcorp
Classification: Uncertain significance. Last evaluated: 2024-10-16. Review status: criteria provided, single submitter. Criteria: Invitae Variant Classification Sherloc (09022015). Collection method: clinical testing. Allele origin: germline.
Comment: This sequence change replaces glycine, which is neutral and non-polar, with arginine, which is basic and polar, at codon 351 of the NEDD4L protein (p.Gly351Arg). This variant is not present in population databases (gnomAD no frequency). This variant has not been reported in the literature in individuals affected with NEDD4L-related conditions. ClinVar contains an entry for this variant (Variation ID: 2152807). Invitae Evidence Modeling of protein sequence and biophysical properties (such as structural, functional, and spatial information, amino acid conservation, physicochemical variation, residue mobility, and thermodynamic stability) indicates that this missense variant is not expected to disrupt NEDD4L protein function with a negative predictive value of 80%. In summary, the available evidence is currently insufficient to determine the role of this variant in disease. Therefore, it has been classified as a Variant of Uncertain Significance.

NM_001144967.3(NEDD4L):c.1051G>C (p.Gly351Arg)

Gene: NEDD4L (NEDD4 like E3 ubiquitin protein ligase; plus strand). Cytogenetic location: 18q21.31.
Variant type: single nucleotide variant.
Coding change: c.1051G>C on transcript NM_001144967.3 (MANE Select); coding-DNA position 1051, G replaced by C.
Protein change: p.Gly351Arg; replaces glycine 351 with arginine.
Molecular consequence: missense variant.
Genome position (GRCh38, 1-based): chr18:58,333,878, G>C. VCF-style: chr18-58333878-G-C. GRCh37 (hg19) VCF-style: chr18-56001110-G-C.
Other names: c.688G>C, p.Gly230Arg (NM_001144964.1, NM_001144965.2, NM_001144966.3 and 2 more transcripts); c.1027G>C, p.Gly343Arg (NM_001144968.2, NM_001144969.2); c.1051G>C, p.Gly351Arg (NM_001243960.2, NM_015277.6); short protein forms G343R, G230R, G351R.
Identifiers: ClinVar variation 2152807 (VCV002152807.4), dbSNP rs774694587, ClinGen allele CA8975548.